The following is an entry in ClinVar:

ClinVar aggregate classification (germline): Uncertain significance (1 of 4 stars; one submission).

gnomAD v4.1: 4 of 1,614,048 alleles (0.00025%); highest among the groups gnomAD compares: South Asian, 0.0011%; no homozygotes.

Submission:

GeneDx
Classification: Uncertain significance. Last evaluated: 2023-02-10. Review status: criteria provided, single submitter. Criteria: GeneDx Variant Classification Process June 2021. Collection method: clinical testing. Allele origin: germline. Affected: yes.
Comment: Not observed at significant frequency in large population cohorts (gnomAD); In silico analysis supports that this missense variant has a deleterious effect on protein structure/function; Has not been previously published as pathogenic or benign to our knowledge

NM_000474.4(TWIST1):c.530A>G (p.Tyr177Cys)

Genes: TWIST1 (twist family bHLH transcription factor 1; minus strand), LOC129998021 (ATAC-STARR-seq lymphoblastoid active region 25682; plus strand). Cytogenetic location: 7p21.1.
Variant type: single nucleotide variant.
Coding change: c.530A>G on transcript NM_000474.4 (MANE Select); coding-DNA position 530, A replaced by G.
Protein change: p.Tyr177Cys; replaces tyrosine 177 with cysteine.
Molecular consequence: missense variant. On other transcripts: non-coding transcript variant (1).
Genome position (GRCh38, 1-based): chr7:19,116,792, T>C on the plus strand (A>G on the coding strand, the complement: TWIST1 is on the minus strand). VCF-style: chr7-19116792-T-C. GRCh37 (hg19) VCF-style: chr7-19156415-T-C.
Other names: short protein forms Y177C.
Identifiers: ClinVar variation 2575637 (VCV002575637.1), dbSNP rs1310135591, ClinGen allele CA367015230.